The following is an entry in ClinVar:

NM_005876.5(SPEG):c.1915C>T (p.Arg639Cys)

Gene: SPEG (striated muscle enriched protein kinase; plus strand). Cytogenetic location: 2q35.
Variant type: single nucleotide variant.
Coding change: c.1915C>T on transcript NM_005876.5 (MANE Select); coding-DNA position 1915, C replaced by T.
Protein change: p.Arg639Cys; replaces arginine 639 with cysteine.
Molecular consequence: missense variant.
Genome position (GRCh38, 1-based): chr2:219,449,073, C>T. VCF-style: chr2-219449073-C-T. GRCh37 (hg19) VCF-style: chr2-220313795-C-T.
Other names: short protein forms R639C.
Identifiers: ClinVar variation 424131 (VCV000424131.9), dbSNP rs774057125, ClinGen allele CA2125731.

ClinVar aggregate classification (germline): Uncertain significance. Review status: criteria provided, multiple submitters, no conflicts (2 of 4 stars). 4 submissions from 4 submitters: Uncertain significance (4). Last evaluated 2025-03-24.

Conditions:
SPEG-related disorder. Also called: SPEG-related condition.
Inborn genetic diseases. Identifiers: MedGen C0950123, MeSH D030342.

Allele frequency attached by ClinVar (database versions not stated): ExAC below 0.00001; TOPMed 0.00002; gnomAD exomes 0.00014.
gnomAD v4.1: 29 of 1,516,942 alleles (0.0019%); highest among the groups gnomAD compares: Admixed American, 0.036%; no homozygotes.

Submissions (4):

PreventionGenetics, part of Exact Sciences
Classification: Uncertain significance for SPEG-related condition. Last evaluated: 2025-03-24. Review status: criteria provided, single submitter. Criteria: ACMG Guidelines, 2015. Collection method: clinical testing. Allele origin: germline.
Comment: The SPEG c.1915C>T variant is predicted to result in the amino acid substitution p.Arg639Cys. To our knowledge, this variant has not been reported in the literature. This variant is reported in 0.067% of alleles in individuals of Latino descent in gnomAD. At this time, the clinical significance of this variant is uncertain due to the absence of conclusive functional and genetic evidence.

Labcorp Genetics (formerly Invitae), Labcorp
Classification: Uncertain significance. Last evaluated: 2023-11-27. Review status: criteria provided, single submitter. Criteria: Invitae Variant Classification Sherloc (09022015). Collection method: clinical testing. Allele origin: germline.
Comment: This sequence change replaces arginine, which is basic and polar, with cysteine, which is neutral and slightly polar, at codon 639 of the SPEG protein (p.Arg639Cys). This variant is present in population databases (rs774057125, gnomAD 0.07%). This variant has not been reported in the literature in individuals affected with SPEG-related conditions. ClinVar contains an entry for this variant (Variation ID: 424131). An algorithm developed to predict the effect of missense changes on protein structure and function (PolyPhen-2) suggests that this variant is likely to be disruptive. In summary, the available evidence is currently insufficient to determine the role of this variant in disease. Therefore, it has been classified as a Variant of Uncertain Significance.

Ambry Genetics
Classification: Uncertain significance for Inborn genetic diseases. Last evaluated: 2022-07-08. Review status: criteria provided, single submitter. Criteria: Ambry Variant Classification Scheme 2023. Collection method: clinical testing. Allele origin: germline.

GeneDx
Classification: Uncertain significance. Last evaluated: 2019-04-18. Review status: criteria provided, single submitter. Criteria: GeneDx Variant Classification Process June 2021. Collection method: clinical testing. Allele origin: germline. Affected: yes.
Comment: In silico analysis, which includes protein predictors and evolutionary conservation, supports a deleterious effect; Has not been previously published as pathogenic or benign to our knowledge